The following is an entry in ClinVar:

ClinVar aggregate classification (germline): Likely benign (1 of 4 stars; one submission).

Allele frequency attached by ClinVar (database versions not stated): 1000 Genomes Project 30x 0.00906.

Submission:

CeGaT Center for Human Genetics Tuebingen
Classification: Likely benign. Last evaluated: 2023-11-01. Review status: criteria provided, single submitter. Criteria: CeGaT Center For Human Genetics Tuebingen Variant Classification Criteria Version 2. Collection method: clinical testing. Allele origin: germline. Affected: yes. Observed: 1 variant allele.
Comment: NPIPB11: BP4, BS2

NM_001310137.5(NPIPB11):c.1659G>C (p.Ala553=)

Gene: NPIPB11 (nuclear pore complex interacting protein family member B11). Cytogenetic location: 16p11.2.
Variant type: single nucleotide variant.
Coding change: c.1659G>C on transcript NM_001310137.5 (MANE Select); coding-DNA position 1659, G replaced by C.
Protein change: p.Ala553=; no amino-acid change (alanine 553 retained).
Molecular consequence: synonymous variant.
Genome position (GRCh38, 1-based): chr16:29,383,273, C>G on the plus strand (G>C on the coding strand, the complement: NPIPB11 is on the minus strand). VCF-style: chr16-29383273-C-G. GRCh37 (hg19) VCF-style: chr16-29394594-C-G.
Identifiers: ClinVar variation 2672626 (VCV002672626.23), dbSNP rs78268573, ClinGen allele CA7991324.